The following is an entry in ClinVar:

ClinVar aggregate classification (germline): Likely benign (1 of 4 stars; one submission).

gnomAD v4.1: 22 of 1,612,842 alleles (0.0014%); highest among the groups gnomAD compares: East Asian, 0.029%; no homozygotes.

Submission:

Women's Health and Genetics/Laboratory Corporation of America, LabCorp
Classification: Likely benign. Last evaluated: 2025-11-12. Review status: criteria provided, single submitter. Criteria: LabCorp Variant Classification Summary - May 2015. Collection method: clinical testing. Allele origin: germline.
Comment: Variant summary: MTHFD1 c.392A>G (p.Asn131Ser) results in a conservative amino acid change in the encoded protein sequence. Algorithms developed to predict the effect of missense changes on protein structure and function are either unavailable or do not agree on the potential impact of this missense change. The variant allele was found at a frequency of 5.2e-05 in 249422 control chromosomes, predominantly at a frequency of 0.00054 within the East Asian subpopulation in the gnomAD database. The observed variant frequency within East Asian control individuals in the gnomAD database exceeds the estimated maximal expected allele frequency for disease-causing variants in MTHFD1. To our knowledge, no occurrence of c.392A>G in individuals affected with MTHFD1-related conditions and no experimental evidence demonstrating its impact on protein function have been reported. No submitters have cited clinical-significance assessments for this variant to ClinVar. Based on the evidence outlined above, the variant was classified as likely benign.

Literature cited by the submitters: PubMed 30056620.

NM_005956.4(MTHFD1):c.392A>G (p.Asn131Ser)

Gene: MTHFD1 (methylenetetrahydrofolate dehydrogenase, cyclohydrolase and formyltetrahydrofolate synthetase 1; plus strand). Cytogenetic location: 14q23.3.
Variant type: single nucleotide variant.
Coding change: c.392A>G on transcript NM_005956.4 (MANE Select); coding-DNA position 392, A replaced by G.
Protein change: p.Asn131Ser; replaces asparagine 131 with serine.
Molecular consequence: missense variant.
Genome position (GRCh38, 1-based): chr14:64,415,653, A>G. VCF-style: chr14-64415653-A-G. GRCh37 (hg19) VCF-style: chr14-64882371-A-G.
Other names: c.392A>G, p.Asn131Ser (NM_001364837.1); short protein forms N131S.
Identifiers: ClinVar variation 4536781 (VCV004536781.1).
Genomic context (GRCh38, chr14:64,415,653, plus strand): 5'-CATCTAATTGCCTTTATTTCCTTCTTATTTCCATCACTTTTTTAAGATTGACTAGCATCA[A>G]TGCTGGGAAACTTGCTAGAGGTGACCTCAATGACTGTTTCATTCCTTGTACGCCTAAGGG-3'
Protein context (NP_005947.3, residues 121-141): EKDVDGLTSI[Asn131Ser]AGKLARGDLN